The following is an entry in ClinVar:

ClinVar aggregate classification (somatic clinical impact): Tier II - Potential (1 of 4 stars; one submission).

Conditions:
Signet ring cell carcinoma. Identifiers: MedGen C0206696, MONDO:0005092.

Submission:

Institute for Genomic Medicine (IGM) Clinical Laboratory, Nationwide Children's Hospital
Classification: Tier II - Potential for Signet ring cell carcinoma. Assertion type: diagnostic. Clinical significance: supports diagnosis. Last evaluated: 2023-03-03. Review status: criteria provided, single submitter. Criteria: AMP/ASCO/CAP Guidelines, 2017. Collection method: clinical testing. Allele origin: somatic. Affected: yes.
Comment: Variant has Tier II (potential) clinical significance as a diagnostic inclusion criterion in signet ring cell carcinoma, based on the following evidence: 1) Information in the literature supports potential biologic effect of variant. 2) Not observed at significant frequency within general population databases or cancer or tumor-specific databases. 3) Diagnostic significance based on multiple small studies (Evidence Level C; PMIDs: 25344691, 28481359, 32008206).

Literature cited by the submitters: PubMed 25344691; PubMed 28481359; PubMed 32008206.

NM_017763.6(RNF43):c.200del (p.Gly67fs)

Gene: RNF43 (ring finger protein 43; minus strand). Cytogenetic location: 17q22.
Variant type: Deletion.
Coding change: c.200del on transcript NM_017763.6 (MANE Select); coding-DNA position 200, one base deleted (G; older notation c.200delG).
Protein change: p.Gly67fs; shifts the reading frame from glycine 67.
Molecular consequence: frameshift variant. On other transcripts: intron variant (1).
Genome position (GRCh38, 1-based): chr17:58,415,378, C deleted on the plus strand (G on the coding strand, the reverse complement: RNF43 is on the minus strand); the first of 2 consecutive C bases (chr17:58,415,378-58,415,379); deleting either gives the same sequence. VCF-style (leftmost placement, unchanged base first): chr17-58415377-AC-A. GRCh37 (hg19) VCF-style: chr17-56492738-AC-A.
Other names: c.200del, p.Gly67fs (NM_001305544.3, NM_001438820.1, NM_001438821.1 and 1 more transcripts); c.-130+1639del (NM_001437987.1); short protein forms G67fs.
Identifiers: ClinVar variation 4530312 (VCV004530312.1).